The following is an entry in ClinVar:

ClinVar aggregate classification (germline): Uncertain significance (1 of 4 stars; one submission).

gnomAD v4.1: 17 of 1,591,456 alleles (0.0011%); highest among the groups gnomAD compares: Non-Finnish European, 0.0015%; no homozygotes.

Submission:

Labcorp Genetics (formerly Invitae), Labcorp
Classification: Uncertain significance. Last evaluated: 2025-04-10. Review status: criteria provided, single submitter. Criteria: Invitae Variant Classification Sherloc (09022015). Collection method: clinical testing. Allele origin: germline.
Comment: This sequence change affects a donor splice site in intron 70 of the HMCN1 gene. It is expected to disrupt RNA splicing. Variants that disrupt the donor or acceptor splice site typically lead to a loss of protein function (PMID: 16199547), however the current clinical and genetic evidence is not sufficient to establish whether loss-of-function variants in HMCN1 cause disease. This variant is not present in population databases (gnomAD no frequency). This variant has not been reported in the literature in individuals affected with HMCN1-related conditions. Algorithms developed to predict the effect of sequence changes on RNA splicing suggest that this variant may disrupt the consensus splice site. In summary, the available evidence is currently insufficient to determine the role of this variant in disease. Therefore, it has been classified as a Variant of Uncertain Significance.

Literature cited by the submitters: PubMed 16199547.

NM_031935.3(HMCN1):c.10852+2T>C

Gene: HMCN1 (hemicentin 1; plus strand). Cytogenetic location: 1q31.1.
Variant type: single nucleotide variant.
Coding change: c.10852+2T>C on transcript NM_031935.3 (MANE Select); the canonical splice donor site of the intron after coding-DNA position 10852, T replaced by C.
Molecular consequence: splice donor variant.
Genome position (GRCh38, 1-based): chr1:186,106,967, T>C. VCF-style: chr1-186106967-T-C. GRCh37 (hg19) VCF-style: chr1-186076099-T-C.
Identifiers: ClinVar variation 4798718 (VCV004798718.1).